The following is an entry in ClinVar:

ClinVar aggregate classification (germline): Uncertain significance. Review status: criteria provided, multiple submitters, no conflicts (2 of 4 stars). 2 submissions from 2 submitters: Uncertain significance (2). Last evaluated 2026-03-11.

Conditions:
Cardiomyopathy (CMYO). Also called: Cardiomyopathies. Identifiers: Orphanet 167848, MedGen C0878544, MONDO:0004994, HP:0001638. Inheritance: Various modes of inheritance.

gnomAD v4.1: 2 of 1,564,298 alleles (0.00013%); highest among the groups gnomAD compares: South Asian, 0.0012%; no homozygotes.

Submissions (2):

GeneDx
Classification: Uncertain significance. Last evaluated: 2026-03-11. Review status: criteria provided, single submitter. Criteria: GeneDx Variant Classification Process June 2021. Collection method: clinical testing. Allele origin: germline.
Comment: Has not been previously published as pathogenic or benign to our knowledge; Located in one of the three hot-spot regions of the RYR2 gene, where the majority of pathogenic missense variants occur (PMID: 19926015); This variant is associated with the following publications: (PMID: 19926015)

Color Diagnostics, LLC DBA Color Health
Classification: Uncertain significance for Cardiomyopathy. Last evaluated: 2025-07-14. Review status: criteria provided, single submitter. Criteria: ACMG Guidelines, 2015. Collection method: clinical testing. Allele origin: germline.
Comment: This missense variant replaces arginine with glycine at codon 111 of the RYR2 protein. Computational prediction suggests that this variant may have deleterious impact on protein structure and function. To our knowledge, functional studies have not been reported for this variant. This variant has not been reported in individuals affected with RYR2-related disorders in the literature. This variant has not been identified in the general population by the Genome Aggregation Database (gnomAD). The available evidence is insufficient to determine the role of this variant in disease conclusively. Therefore, this variant is classified as a Variant of Uncertain Significance.

NM_001035.3(RYR2):c.331C>G (p.Arg111Gly)

Gene: RYR2 (ryanodine receptor 2; plus strand). Cytogenetic location: 1q43.
Variant type: single nucleotide variant.
Coding change: c.331C>G on transcript NM_001035.3 (MANE Select); coding-DNA position 331, C replaced by G.
Protein change: p.Arg111Gly; replaces arginine 111 with glycine.
Molecular consequence: missense variant.
Genome position (GRCh38, 1-based): chr1:237,369,555, C>G. VCF-style: chr1-237369555-C-G. GRCh37 (hg19) VCF-style: chr1-237532855-C-G.
Other names: c.331C>G (NM_001035.2); short protein forms R111G.
Identifiers: ClinVar variation 4757553 (VCV004757553.2).